The following is an entry in ClinVar:

ClinVar aggregate classification (germline): Likely benign (0 of 4 stars; one submission).

Conditions:
CDH19-related disorder. Also called: CDH19-related condition.

Allele frequency attached by ClinVar (database versions not stated): TOPMed 0.00003; gnomAD 0.00011; ExAC 0.00087; 1000 Genomes Project 30x 0.00109; 1000 Genomes Project 0.00140.
gnomAD v4.1: 604 of 1,613,076 alleles (0.037%); highest among the groups gnomAD compares: South Asian, 0.64%; 7 homozygotes.

Submission:

PreventionGenetics, part of Exact Sciences
Classification: Likely benign for CDH19-related condition. Last evaluated: 2019-05-15. Review status: no assertion criteria provided. Collection method: clinical testing. Allele origin: germline.
Comment: This variant is classified as likely benign based on ACMG/AMP sequence variant interpretation guidelines (Richards et al. 2015 PMID: 25741868, with internal and published modifications).

NM_021153.4(CDH19):c.1936G>A (p.Gly646Ser)

Gene: CDH19 (cadherin 19; minus strand). Cytogenetic location: 18q22.1.
Variant type: single nucleotide variant.
Coding change: c.1936G>A on transcript NM_021153.4 (MANE Select); coding-DNA position 1936, G replaced by A.
Protein change: p.Gly646Ser; replaces glycine 646 with serine.
Molecular consequence: missense variant. On other transcripts: 3 prime UTR variant (1), non-coding transcript variant (1).
Genome position (GRCh38, 1-based): chr18:66,505,195, C>T on the plus strand (G>A on the coding strand, the complement: CDH19 is on the minus strand). VCF-style: chr18-66505195-C-T. GRCh37 (hg19) VCF-style: chr18-64172432-C-T.
Other names: c.*93G>A (NM_001271028.2); short protein forms G646S.
Identifiers: ClinVar variation 3037960 (VCV003037960.2), dbSNP rs201955048, ClinGen allele CA8991696.